The following is an entry in ClinVar:

ClinVar aggregate classification (germline): Uncertain significance. Review status: criteria provided, multiple submitters, no conflicts (2 of 4 stars). 3 submissions from 3 submitters: Uncertain significance (3). Last evaluated 2024-12-26.

Conditions:
Auditory neuropathy-optic atrophy syndrome. Also called: AUDITORY NEUROPATHY AND OPTIC ATROPHY; MULTIPLE MITOCHONDRIAL DYSFUNCTIONS SYNDROME 9A. Identifiers: Orphanet 542585, MedGen C4521678, MONDO:0060582, OMIM 617717.
Inborn genetic diseases. Identifiers: MedGen C0950123, MeSH D030342.
Multiple mitochondrial dysfunctions syndrome 9b. Identifiers: MedGen C5935635, MONDO:0971174, OMIM 620887.

Allele frequency attached by ClinVar (database versions not stated): gnomAD exomes below 0.00001 and 0.00001; ExAC 0.00001.
gnomAD v4.1: 3 of 1,608,612 alleles (0.00019%); highest among the groups gnomAD compares: East Asian, 0.0067%; no homozygotes.

Submissions (3):

3billion
Classification: Uncertain significance for Auditory neuropathy-optic atrophy syndrome. Last evaluated: 2024-12-26. Review status: criteria provided, single submitter. Criteria: ACMG Guidelines, 2015. Collection method: clinical testing. Allele origin: germline. Affected: yes.
Comment: The variant is observed at an extremely low frequency in the gnomAD v4.1.0 dataset (total allele frequency: <0.001%). Predicted Consequence/Location: Missense variant In silico tool predictions suggest damaging effect of the variant on gene or gene product [REVEL: 0.90 (>=0.6, sensitivity 0.68 and specificity 0.92); 3Cnet: 0.90 (>=0.6, sensitivity 0.72 and precision 0.9)]. The variant has been reported as of uncertain significance (ClinVar ID: VCV000985143). Therefore, this variant is classified as VUS according to the recommendation of ACMG/AMP guideline.

Ambry Genetics
Classification: Uncertain significance for Inborn genetic diseases. Last evaluated: 2018-08-15. Review status: criteria provided, single submitter. Criteria: Ambry exome assertion method (8-5-2015). Collection method: clinical testing. Allele origin: germline. Affected: yes. Observed: 1 variant allele.

Juno Genomics, Hangzhou Juno Genomics, Inc
Classification: Uncertain significance for Multiple mitochondrial dysfunctions syndrome 9b; Auditory neuropathy-optic atrophy syndrome. Review status: criteria provided, single submitter. Criteria: ACMG Guidelines, 2015. Collection method: clinical testing. Allele origin: germline.
Comment: Absent from controls (or at extremely low frequency if recessive) in Genome Aggregation Database.;Multiple lines of computational evidence support a deleterious effect on the gene or gene product.

NM_024417.5(FDXR):c.605T>G (p.Leu202Arg)

Gene: FDXR (ferredoxin reductase; minus strand). Cytogenetic location: 17q25.1.
Variant type: single nucleotide variant.
Coding change: c.605T>G on transcript NM_024417.5 (MANE Select); coding-DNA position 605, T replaced by G.
Protein change: p.Leu202Arg; replaces leucine 202 with arginine.
Molecular consequence: missense variant. On other transcripts: non-coding transcript variant (1).
Genome position (GRCh38, 1-based): chr17:74,865,723, A>C on the plus strand (T>G on the coding strand, the complement: FDXR is on the minus strand). VCF-style: chr17-74865723-A-C. GRCh37 (hg19) VCF-style: chr17-72861845-A-C.
Other names: c.734T>G, p.Leu245Arg (NM_001258012.4); c.698T>G, p.Leu233Arg (NM_001258013.4); c.581T>G, p.Leu194Arg (NM_001258014.4); c.485T>G, p.Leu162Arg (NM_001258015.3); c.449T>G, p.Leu150Arg (NM_001258016.3); c.605T>G, p.Leu202Arg (NM_004110.6); short protein forms L150R, L162R, L194R, L202R, L233R, L245R.
Identifiers: ClinVar variation 985143 (VCV000985143.6), dbSNP rs754564445, ClinGen allele CA8753140.